The following is an entry in ClinVar:

ClinVar aggregate classification (germline): Uncertain significance (1 of 4 stars; one submission).

Allele frequency attached by ClinVar (database versions not stated): gnomAD exomes below 0.00001.
gnomAD v4.1: 3 of 1,614,142 alleles (0.00019%); highest among the groups gnomAD compares: Non-Finnish European, 0.00025%; no homozygotes.

Submission:

Labcorp Genetics (formerly Invitae), Labcorp
Classification: Uncertain significance. Last evaluated: 2022-03-18. Review status: criteria provided, single submitter. Criteria: Invitae Variant Classification Sherloc (09022015). Collection method: clinical testing. Allele origin: germline.
Comment: Algorithms developed to predict the effect of missense changes on protein structure and function (SIFT, PolyPhen-2, Align-GVGD) all suggest that this variant is likely to be disruptive. In summary, the available evidence is currently insufficient to determine the role of this variant in disease. Therefore, it has been classified as a Variant of Uncertain Significance. This sequence change replaces leucine, which is neutral and non-polar, with histidine, which is basic and polar, at codon 10 of the DFNA5 protein (p.Leu10His). This variant is not present in population databases (gnomAD no frequency). This variant has not been reported in the literature in individuals affected with DFNA5-related conditions.

NM_001127453.2(GSDME):c.29T>A (p.Leu10His)

Gene: GSDME (gasdermin E; minus strand). Cytogenetic location: 7p15.3.
Variant type: single nucleotide variant.
Coding change: c.29T>A on transcript NM_001127453.2 (MANE Select); coding-DNA position 29, T replaced by A.
Protein change: p.Leu10His; replaces leucine 10 with histidine.
Molecular consequence: missense variant. On other transcripts: intron variant (1).
Genome position (GRCh38, 1-based): chr7:24,749,746, A>T on the plus strand (T>A on the coding strand, the complement: GSDME is on the minus strand). VCF-style: chr7-24749746-A-T. GRCh37 (hg19) VCF-style: chr7-24789365-A-T.
Other names: c.29T>A, p.Leu10His (NM_004403.3); c.-281-4992T>A (NM_001127454.2); short protein forms L10H.
Identifiers: ClinVar variation 2025970 (VCV002025970.4), dbSNP rs2535100820, ClinGen allele CA367049333.
Genomic context (GRCh38, chr7:24,749,746, plus strand): 5'-TTATCAGAGTCATTCAGATTTGATACTGCAATCAGGTCACCATCAGCATCAACTTCTCTA[A>T]GAAAATTCCTGGTTGCTTTGGCAAACATTTTGAAAGCTCCAGATTATCTGAAAAAGTAAA-3'
Protein context (NP_001120925.1, residues 1-20): MFAKATRNF[Leu10His]REVDADGDLI